The following is an entry in ClinVar:

NM_014049.5(ACAD9):c.970G>T (p.Glu324Ter)

Gene: ACAD9 (acyl-CoA dehydrogenase family member 9; plus strand). Cytogenetic location: 3q21.3.
Variant type: single nucleotide variant.
Coding change: c.970G>T on transcript NM_014049.5 (MANE Select); coding-DNA position 970, G replaced by T.
Protein change: p.Glu324Ter; replaces glutamic acid 324 with a stop codon.
Molecular consequence: nonsense. On other transcripts: non-coding transcript variant (1).
Genome position (GRCh38, 1-based): chr3:128,904,073, G>T. VCF-style: chr3-128904073-G-T. GRCh37 (hg19) VCF-style: chr3-128622916-G-T.
Other names: c.601G>T, p.Glu201Ter (NM_001410805.1); c.970G>T (NM_014049.4); short protein forms E201*, E324*.
Identifiers: ClinVar variation 3666633 (VCV003666633.3).

ClinVar aggregate classification (germline): Pathogenic/Likely pathogenic. Review status: criteria provided, multiple submitters, no conflicts (2 of 4 stars). 2 submissions from 2 submitters: Pathogenic (1); Likely pathogenic (1). Last evaluated 2024-10-30.

Conditions:
Acyl-CoA dehydrogenase 9 deficiency. Also called: Acyl-CoA dehydrogenase family, member 9, deficiency of; MITOCHONDRIAL COMPLEX I DEFICIENCY, NUCLEAR TYPE 20. Identifiers: Orphanet 99901, MedGen C4747517, MONDO:0012624, OMIM 611126.

gnomAD v4.1: 1 of 1,614,086 alleles (0.000062%); highest among the groups gnomAD compares: Admixed American, 0.0017%; no homozygotes.

Submissions (2):

Labcorp Genetics (formerly Invitae), Labcorp
Classification: Pathogenic. Last evaluated: 2024-10-30. Review status: criteria provided, single submitter. Criteria: Invitae Variant Classification Sherloc (09022015). Collection method: clinical testing. Allele origin: germline.
Comment: This sequence change creates a premature translational stop signal (p.Glu324*) in the ACAD9 gene. It is expected to result in an absent or disrupted protein product. Loss-of-function variants in ACAD9 are known to be pathogenic (PMID: 25721401). This variant is not present in population databases (gnomAD no frequency). This variant has not been reported in the literature in individuals affected with ACAD9-related conditions. Algorithms developed to predict the effect of sequence changes on RNA splicing suggest that this variant may disrupt the consensus splice site. For these reasons, this variant has been classified as Pathogenic.

Natera, Inc.
Classification: Likely pathogenic for ACAD9 deficiency. Last evaluated: 2024-03-25. Review status: criteria provided, single submitter. Criteria: Natera Variant Classification Schema (03/2026). Collection method: clinical testing. Allele origin: germline.
Comment: The c.970G>T variant in ACAD9 is a nonsense variant predicted to introduce a stop codon at amino acid 324. This variant is expected to result in nonsense mediated decay, truncation, or a dysfunctional protein product. This variant is rare in the general population with a frequency below the threshold expected for the associated phenotype(s). Given the available evidence, this variant is classified as Likely Pathogenic.

Literature cited by the submitters: PubMed 25721401 (cited by Labcorp Genetics (formerly Invitae), Labcorp).